The following is an entry in ClinVar:

NM_000540.3(RYR1):c.12914T>C (p.Leu4305Pro)

Gene: RYR1 (ryanodine receptor 1; plus strand). Cytogenetic location: 19q13.2.
Variant type: single nucleotide variant.
Coding change: c.12914T>C on transcript NM_000540.3 (MANE Select); coding-DNA position 12914, T replaced by C.
Protein change: p.Leu4305Pro; replaces leucine 4305 with proline.
Molecular consequence: missense variant.
Genome position (GRCh38, 1-based): chr19:38,565,248, T>C. VCF-style: chr19-38565248-T-C. GRCh37 (hg19) VCF-style: chr19-39055888-T-C.
Other names: c.12899T>C, p.Leu4300Pro (NM_001042723.2); short protein forms L4300P, L4305P.
Identifiers: ClinVar variation 4688345 (VCV004688345.1).

ClinVar aggregate classification (germline): Uncertain significance (1 of 4 stars; one submission).

Submission:

Women's Health and Genetics/Laboratory Corporation of America, LabCorp
Classification: Uncertain significance. Last evaluated: 2025-12-12. Review status: criteria provided, single submitter. Criteria: LabCorp Variant Classification Summary - May 2015. Collection method: clinical testing. Allele origin: germline.
Comment: Variant summary: RYR1 c.12914T>C (p.Leu4305Pro) results in a non-conservative amino acid change in the encoded protein sequence. Algorithms developed to predict the effect of missense changes on protein structure and function are either unavailable or do not agree on the potential impact of this missense change. The variant was absent in 24478 control chromosomes. The available data on variant occurrences in the general population are insufficient to allow any conclusion about variant significance. To our knowledge, no occurrence of c.12914T>C in individuals affected with RYR1-related conditions and no experimental evidence demonstrating its impact on protein function have been reported. No submitters have cited clinical-significance assessments for this variant to ClinVar. Based on the evidence outlined above, the variant was classified as uncertain significance.